The following is an entry in ClinVar:

ClinVar aggregate classification (germline): Uncertain significance. Review status: criteria provided, multiple submitters, no conflicts (2 of 4 stars). 2 submissions from 2 submitters: Uncertain significance (2). Last evaluated 2025-04-30.

Conditions:
Arrhythmogenic right ventricular dysplasia 9 (ARVD9). Also called: Arrhythmogenic Right Ventricular Dysplasia/Cardiomyopathy 9; ARRHYTHMOGENIC RIGHT VENTRICULAR DYSPLASIA, FAMILIAL, 9. Identifiers: MedGen C1836906, MONDO:0012180, OMIM 609040.
Cardiovascular phenotype. Identifiers: MedGen CN230736.

Submissions (2):

Labcorp Genetics (formerly Invitae), Labcorp
Classification: Uncertain significance for Arrhythmogenic right ventricular dysplasia 9. Last evaluated: 2025-04-30. Review status: criteria provided, single submitter. Criteria: Invitae Variant Classification Sherloc (09022015). Collection method: clinical testing. Allele origin: germline.
Comment: This variant, c.549_551del, results in the deletion of 1 amino acid(s) of the PKP2 protein (p.Ser183del), but otherwise preserves the integrity of the reading frame. This variant is present in population databases (no rsID available, gnomAD 0.01%). This variant has not been reported in the literature in individuals affected with PKP2-related conditions. ClinVar contains an entry for this variant (Variation ID: 852735). Experimental studies and prediction algorithms are not available or were not evaluated, and the functional significance of this variant is currently unknown. In summary, the available evidence is currently insufficient to determine the role of this variant in disease. Therefore, it has been classified as a Variant of Uncertain Significance.

Ambry Genetics
Classification: Uncertain significance for Cardiovascular phenotype. Last evaluated: 2020-09-04. Review status: criteria provided, single submitter. Criteria: Ambry Variant Classification Scheme 2023. Collection method: clinical testing. Allele origin: germline.
Comment: The c.549_551delCAG variant (also known as p.S183del) is located in coding exon 3 of the PKP2 gene. This variant results from an in-frame CAG deletion at nucleotide positions 549 to 551. This results in the in-frame deletion of a serine at codon 183. This amino acid position is not well conserved in available vertebrate species. In addition, this alteration is predicted to be inconclusive by in silico analysis (Choi Y et al. PLoS ONE. 2012; 7(10):e46688). Since supporting evidence is limited at this time, the clinical significance of this alteration remains unclear.

NM_001005242.3(PKP2):c.549_551del (p.Ser183del)

Gene: PKP2 (plakophilin 2; minus strand). Cytogenetic location: 12p11.21.
Variant type: Deletion.
Coding change: c.549_551del on transcript NM_001005242.3 (MANE Select); coding-DNA positions 549 to 551, 3 bases deleted (CAG; older notation c.549_551delCAG).
Protein change: p.Ser183del; deletes serine 183.
Molecular consequence: inframe deletion.
Genome position (GRCh38, 1-based): chr12:32,878,329-32,878,331, CTG deleted on the plus strand (CAG on the coding strand, the reverse complement: PKP2 is on the minus strand); deleting any 3 consecutive bases within chr12:32,878,329-32,878,333 gives the same sequence; the c. name uses the placement nearest the transcript's 3' end. VCF-style (leftmost placement, unchanged base first): chr12-32878328-CCTG-C. GRCh37 (hg19) VCF-style: chr12-33031262-CCTG-C.
Other names: c.549_551del, p.Ser183del (NM_004572.4); c.549_551delCAG (NM_004572.3); short protein forms S183del.
Identifiers: ClinVar variation 852735 (VCV000852735.11), dbSNP rs1358236902, ClinGen allele CA604480676.